The following is an entry in ClinVar:

NM_020778.5(ALPK3):c.1209_1214dup (p.Gly408_Gln409insProGly)

Gene: ALPK3 (alpha kinase 3; plus strand). Cytogenetic location: 15q25.3.
Variant type: Duplication.
Coding change: c.1209_1214dup on transcript NM_020778.5 (MANE Select); coding-DNA positions 1209 to 1214, 6 bases duplicated (TGGCCC; older notation c.1209_1214dupTGGCCC).
Protein change: p.Gly408_Gln409insProGly.
Molecular consequence: inframe insertion.
Genome position (GRCh38, 1-based): chr15:84,840,488-84,840,493, TGGCCC duplicated; duplicating any 6 consecutive bases within chr15:84,840,485-84,840,493 gives the same sequence; the c. name uses the placement nearest the transcript's 3' end. VCF-style (leftmost placement, unchanged base first): chr15-84840484-C-CCCCTGG. GRCh37 (hg19) VCF-style: chr15-85383715-C-CCCCTGG.
Identifiers: ClinVar variation 4703205 (VCV004703205.1).

ClinVar aggregate classification (germline): Uncertain significance (1 of 4 stars; one submission).

Submission:

Labcorp Genetics (formerly Invitae), Labcorp
Classification: Uncertain significance. Last evaluated: 2025-12-28. Review status: criteria provided, single submitter. Criteria: Invitae Variant Classification Sherloc (09022015). Collection method: clinical testing. Allele origin: germline.
Comment: This variant, c.1815_1820dup, results in the insertion of 2 amino acid(s) of the ALPK3 protein (p.Pro609_Gly610dup), but otherwise preserves the integrity of the reading frame. This variant is not present in population databases (gnomAD no frequency). This variant has not been reported in the literature in individuals affected with ALPK3-related conditions. Experimental studies and prediction algorithms are not available or were not evaluated, and the functional significance of this variant is currently unknown. In summary, the available evidence is currently insufficient to determine the role of this variant in disease. Therefore, it has been classified as a Variant of Uncertain Significance.